The following is an entry in ClinVar:

ClinVar aggregate classification (germline): Uncertain significance (1 of 4 stars; one submission).

Allele frequency attached by ClinVar (database versions not stated): gnomAD 0.00003; ExAC 0.00004; TOPMed 0.00006.
gnomAD v4.1: 48 of 1,613,644 alleles (0.003%); highest among the groups gnomAD compares: East Asian, 0.082%; no homozygotes.

Submission:

Labcorp Genetics (formerly Invitae), Labcorp
Classification: Uncertain significance. Last evaluated: 2022-05-12. Review status: criteria provided, single submitter. Criteria: Invitae Variant Classification Sherloc (09022015). Collection method: clinical testing. Allele origin: germline.
Comment: This sequence change replaces arginine, which is basic and polar, with histidine, which is basic and polar, at codon 310 of the SFRP4 protein (p.Arg310His). This variant is present in population databases (rs771031038, gnomAD 0.05%). This variant has not been reported in the literature in individuals affected with SFRP4-related conditions. Algorithms developed to predict the effect of missense changes on protein structure and function are either unavailable or do not agree on the potential impact of this missense change (SIFT: "Deleterious"; PolyPhen-2: "Benign"; Align-GVGD: "Class C0"). In summary, the available evidence is currently insufficient to determine the role of this variant in disease. Therefore, it has been classified as a Variant of Uncertain Significance.

NM_003014.4(SFRP4):c.929G>A (p.Arg310His)

Gene: SFRP4 (secreted frizzled related protein 4; minus strand). Cytogenetic location: 7p14.1.
Variant type: single nucleotide variant.
Coding change: c.929G>A on transcript NM_003014.4 (MANE Select); coding-DNA position 929, G replaced by A.
Protein change: p.Arg310His; replaces arginine 310 with histidine.
Molecular consequence: missense variant.
Genome position (GRCh38, 1-based): chr7:37,907,591, C>T on the plus strand (G>A on the coding strand, the complement: SFRP4 is on the minus strand). VCF-style: chr7-37907591-C-T. GRCh37 (hg19) VCF-style: chr7-37947193-C-T.
Other names: short protein forms R310H.
Identifiers: ClinVar variation 2060097 (VCV002060097.1), dbSNP rs771031038, ClinGen allele CA4222677.
Genomic context (GRCh38, chr7:37,907,591, plus strand): 5'-TTCTTGGGACTGGCTGGTTTGGGAGCAGGAGGCTTTCCCTTTGGTTTGGGGGGATTACTA[C>T]GACTGGTGCGCCCGGCTGTTTTCTTCTTGTCCTGAACTGTTCTCCGCTGTTCCTGCAGCC-3'
Protein context (NP_003005.2, residues 300-320): DKKKTAGRTS[Arg310His]SNPPKPKGKP